The following is an entry in ClinVar:

NM_017514.5(PLXNA3):c.4723T>C (p.Leu1575=)

Gene: PLXNA3 (plexin A3; plus strand). Cytogenetic location: Xq28.
Variant type: single nucleotide variant.
Coding change: c.4723T>C on transcript NM_017514.5 (MANE Select); coding-DNA position 4723, T replaced by C.
Protein change: p.Leu1575=; no amino-acid change (leucine 1575 retained).
Molecular consequence: synonymous variant.
Genome position (GRCh38, 1-based): chrX:154,469,712, T>C. VCF-style: chrX-154469712-T-C. GRCh37 (hg19) VCF-style: chrX-153698055-T-C.
Identifiers: ClinVar variation 3032287 (VCV003032287.2), dbSNP rs782473883, ClinGen allele CA10564946.

ClinVar aggregate classification (germline): Likely benign (0 of 4 stars; one submission).

Conditions:
PLXNA3-related disorder. Also called: PLXNA3-related condition.

Allele frequency attached by ClinVar (database versions not stated): gnomAD exomes below 0.00001; ExAC 0.00001; gnomAD 0.00002; TOPMed 0.00002.

Submission:

PreventionGenetics, part of Exact Sciences
Classification: Likely benign for PLXNA3-related condition. Last evaluated: 2024-01-09. Review status: no assertion criteria provided. Collection method: clinical testing. Allele origin: germline.
Comment: This variant is classified as likely benign based on ACMG/AMP sequence variant interpretation guidelines (Richards et al. 2015 PMID: 25741868, with internal and published modifications).